The following is an entry in ClinVar:

NM_000063.6(C2):c.478G>T (p.Ala160Ser)

Gene: C2 (complement C2; plus strand). Cytogenetic location: 6p21.33.
Variant type: single nucleotide variant.
Coding change: c.478G>T on transcript NM_000063.6 (MANE Select); coding-DNA position 478, G replaced by T.
Protein change: p.Ala160Ser; replaces alanine 160 with serine.
Molecular consequence: missense variant. On other transcripts: 5 prime UTR variant (1).
Genome position (GRCh38, 1-based): chr6:31,933,645, G>T. VCF-style: chr6-31933645-G-T. GRCh37 (hg19) VCF-style: chr6-31901422-G-T.
Other names: c.82G>T, p.Ala28Ser (NM_001145903.3); c.109G>T, p.Ala37Ser (NM_001178063.3); c.-28G>T (NM_001282457.2); c.391G>T, p.Ala131Ser (NM_001282458.2); c.478G>T, p.Ala160Ser (NM_001282459.2); short protein forms A160S, A28S, A131S, A37S.
Identifiers: ClinVar variation 1914195 (VCV001914195.3), dbSNP rs138195505, ClinGen allele CA3727406.
Genomic context (GRCh38, chr6:31,933,645, plus strand): 5'-TCTGCCTTCCTTTGTTCACTCGCAGCTGGCCACTGCCCCAACCCAGGCATTTCACTGGGC[G>T]CAGTGCGGACAGGCTTCCGCTTTGGTCATGGGGACAAGGTCCGCTATCGCTGCTCCTCGA-3'
Protein context (NP_000054.2, residues 150-170): HCPNPGISLG[Ala160Ser]VRTGFRFGHG

ClinVar aggregate classification (germline): Conflicting classifications of pathogenicity. Review status: criteria provided, conflicting classifications (1 of 4 stars). 2 submissions from 2 submitters: Uncertain significance (1); Likely benign (1). Last evaluated 2025-04-11.

Allele frequency attached by ClinVar (database versions not stated): ESP Exome Variant Server 0.00024.
gnomAD v4.1: 36 of 1,612,978 alleles (0.0022%); highest among the groups gnomAD compares: Non-Finnish European, 0.0027%; no homozygotes.

Submissions (2):

Ambry Genetics
Classification: Likely benign. Last evaluated: 2025-04-11. Review status: criteria provided, single submitter. Criteria: Ambry Variant Classification Scheme 2023. Collection method: clinical testing. Allele origin: germline.

Labcorp Genetics (formerly Invitae), Labcorp
Classification: Uncertain significance. Last evaluated: 2022-07-17. Review status: criteria provided, single submitter. Criteria: Invitae Variant Classification Sherloc (09022015). Collection method: clinical testing. Allele origin: germline.
Comment: This sequence change replaces alanine, which is neutral and non-polar, with serine, which is neutral and polar, at codon 160 of the C2 protein (p.Ala160Ser). This variant is present in population databases (rs138195505, gnomAD 0.005%). This variant has not been reported in the literature in individuals affected with C2-related conditions. Algorithms developed to predict the effect of missense changes on protein structure and function output the following: SIFT: "Tolerated"; PolyPhen-2: "Benign"; Align-GVGD: "Class C0". The serine amino acid residue is found in multiple mammalian species, which suggests that this missense change does not adversely affect protein function. In summary, the available evidence is currently insufficient to determine the role of this variant in disease. Therefore, it has been classified as a Variant of Uncertain Significance.